The following is an entry in ClinVar:

ClinVar aggregate classification (germline): Conflicting classifications of pathogenicity. Review status: criteria provided, conflicting classifications (1 of 4 stars). 2 submissions from 2 submitters: Likely pathogenic (1); Uncertain significance (1). Last evaluated 2026-01-13.

Conditions:
Hereditary von Willebrand disease. Identifiers: Orphanet 903, MedGen C5703318, MONDO:0019565. Inheritance: Autosomal recessive or Autosomal dominant.

Allele frequency attached by ClinVar (database versions not stated): TOPMed 0.00002; ExAC 0.00004; gnomAD 0.00005; gnomAD exomes 0.00005 and 0.00009; ESP Exome Variant Server 0.00008.
gnomAD v4.1: 144 of 1,614,060 alleles (0.0089%); highest among the groups gnomAD compares: Non-Finnish European, 0.011%; no homozygotes.

Submissions (2):

Women's Health and Genetics/Laboratory Corporation of America, LabCorp
Classification: Uncertain significance. Last evaluated: 2026-01-13. Review status: criteria provided, single submitter. Criteria: LabCorp Variant Classification Summary - May 2015. Collection method: clinical testing. Allele origin: germline.
Comment: Variant summary: VWF c.7450G>A (p.Val2484Ile) results in a conservative amino acid change in the encoded protein sequence. Algorithms developed to predict the effect of missense changes on protein structure and function all suggest that this variant is likely to be tolerated. The variant allele was found at a frequency of 5.2e-05 in 251256 control chromosomes. This frequency is not significantly higher than estimated for disease-causing variants in VWF, allowing no conclusion about variant significance. c.7450G>A has been observed in individual(s) affected with a Coagulation disorder (Downes_2019). These report(s) do not provide unequivocal conclusions about association of the variant with Von Willebrand Disease. To our knowledge, no experimental evidence demonstrating an impact on protein function has been reported. The following publication have been ascertained in the context of this evaluation (PMID: 31064749). ClinVar contains an entry for this variant (Variation ID: 627126). Based on the evidence outlined above, the variant was classified as uncertain significance.

NIHR Bioresource Rare Diseases, University of Cambridge
Classification: Likely pathogenic for von Willebrand disorder. Last evaluated: 2019-02-01. Review status: criteria provided, single submitter. Criteria: ACMG Guidelines, 2015. Collection method: research. Allele origin: unknown. Affected: yes. Observed: 1 compound heterozygote. Study: ThromboGenomics.

Literature cited by the submitters: PubMed 31064749 (cited by Women's Health and Genetics/Laboratory Corporation of America, LabCorp and NIHR Bioresource Rare Diseases, University of Cambridge).

NM_000552.5(VWF):c.7450G>A (p.Val2484Ile)

Gene: VWF (von Willebrand factor; minus strand). Cytogenetic location: 12p13.31.
Variant type: single nucleotide variant.
Coding change: c.7450G>A on transcript NM_000552.5 (MANE Select); coding-DNA position 7450, G replaced by A.
Protein change: p.Val2484Ile; replaces valine 2484 with isoleucine.
Molecular consequence: missense variant.
Genome position (GRCh38, 1-based): chr12:5,971,697, C>T on the plus strand (G>A on the coding strand, the complement: VWF is on the minus strand). VCF-style: chr12-5971697-C-T. GRCh37 (hg19) VCF-style: chr12-6080863-C-T.
Other names: short protein forms V2484I.
Identifiers: ClinVar variation 627126 (VCV000627126.2), dbSNP rs139864572, ClinGen allele CA6401661.